The following is an entry in ClinVar:

ClinVar aggregate classification (germline): Uncertain significance (1 of 4 stars; one submission).

gnomAD v4.1: 1 of 1,613,342 alleles (0.000062%); highest among the groups gnomAD compares: African/African-American, 0.0013%; no homozygotes.

Submission:

Labcorp Genetics (formerly Invitae), Labcorp
Classification: Uncertain significance. Last evaluated: 2024-03-11. Review status: criteria provided, single submitter. Criteria: Invitae Variant Classification Sherloc (09022015). Collection method: clinical testing. Allele origin: germline.
Comment: This sequence change replaces valine, which is neutral and non-polar, with leucine, which is neutral and non-polar, at codon 512 of the PTH1R protein (p.Val512Leu). The frequency data for this variant in the population databases is considered unreliable, as metrics indicate poor data quality at this position in the gnomAD database. This variant has not been reported in the literature in individuals affected with PTH1R-related conditions. ClinVar contains an entry for this variant (Variation ID: 1519523). Advanced modeling of protein sequence and biophysical properties (such as structural, functional, and spatial information, amino acid conservation, physicochemical variation, residue mobility, and thermodynamic stability) performed at Invitae indicates that this missense variant is not expected to disrupt PTH1R protein function with a negative predictive value of 80%. In summary, the available evidence is currently insufficient to determine the role of this variant in disease. Therefore, it has been classified as a Variant of Uncertain Significance.

NM_000316.3(PTH1R):c.1534G>C (p.Val512Leu)

Gene: PTH1R (parathyroid hormone 1 receptor; plus strand). Cytogenetic location: 3p21.31.
Variant type: single nucleotide variant.
Coding change: c.1534G>C on transcript NM_000316.3 (MANE Select); coding-DNA position 1534, G replaced by C.
Protein change: p.Val512Leu; replaces valine 512 with leucine.
Molecular consequence: missense variant.
Genome position (GRCh38, 1-based): chr3:46,903,408, G>C. VCF-style: chr3-46903408-G-C. GRCh37 (hg19) VCF-style: chr3-46944898-G-C.
Other names: c.1534G>C, p.Val512Leu (NM_001184744.1); short protein forms V512L.
Identifiers: ClinVar variation 1519523 (VCV001519523.6), dbSNP rs1198622172, ClinGen allele CA352503782.